The following is an entry in ClinVar:

ClinVar aggregate classification (germline): Pathogenic (1 of 4 stars; one submission).

Submission:

Labcorp Genetics (formerly Invitae), Labcorp
Classification: Pathogenic. Last evaluated: 2024-11-15. Review status: criteria provided, single submitter. Criteria: Invitae Variant Classification Sherloc (09022015). Collection method: clinical testing. Allele origin: germline.
Comment: This sequence change affects a donor splice site in intron 61 of the COL7A1 gene. It is expected to disrupt splicing. Variants that disrupt the donor or acceptor splice site typically lead to a loss of protein function (PMID: 16199547), and loss-of-function variants in COL7A1 are known to be disease-causing for autosomal recessive dystrophic epidermolysis bullosa (PMID: 16971478). However, certain variants affecting donor or acceptor splice sites in the triple helical domain of COL7A1 are expected to result in in-frame exon skipping and have been reported to cause autosomal dominant dystrophic epidermolysis bullosa (PMID: 31670143). This variant is not present in population databases (gnomAD no frequency). Disruption of this splice site has been observed in individual(s) with autosomal recessive epidermolysis bullosa dystrophica (PMID: 27899325). ClinVar contains an entry for this variant (Variation ID: 2734516). Algorithms developed to predict the effect of sequence changes on RNA splicing suggest that this variant may disrupt the consensus splice site. For these reasons, this variant has been classified as Pathogenic.

Literature cited by the submitters: PubMed 16199547; PubMed 16971478; PubMed 31670143; PubMed 27899325.

NM_000094.4(COL7A1):c.5388+1G>A

Gene: COL7A1 (collagen type VII alpha 1 chain; minus strand). Cytogenetic location: 3p21.31.
Variant type: single nucleotide variant.
Coding change: c.5388+1G>A on transcript NM_000094.4 (MANE Select); the canonical splice donor site of the intron after coding-DNA position 5388, G replaced by A.
Molecular consequence: splice donor variant.
Genome position (GRCh38, 1-based): chr3:48,579,196, C>T on the plus strand (G>A on the coding strand, the complement: COL7A1 is on the minus strand). VCF-style: chr3-48579196-C-T. GRCh37 (hg19) VCF-style: chr3-48616629-C-T.
Identifiers: ClinVar variation 2734516 (VCV002734516.3), dbSNP rs2531053190, ClinGen allele CA352675299.